The following is an entry in ClinVar:

ClinVar aggregate classification (germline): Uncertain significance. Review status: criteria provided, multiple submitters, no conflicts (2 of 4 stars). 3 submissions from 3 submitters: Uncertain significance (3). Last evaluated 2026-01-25.

Conditions:
Hereditary cancer-predisposing syndrome. Also called: Tumor predisposition; Hereditary Cancer Syndrome; Hereditary neoplastic syndrome; Neoplastic Syndromes, Hereditary. Identifiers: Orphanet 140162, MedGen C0027672, MeSH D009386, MONDO:0015356.
POLD1-related polyposis and colorectal cancer syndrome (CRCS10). Also called: Colorectal cancer 10; COLORECTAL CANCER, SUSCEPTIBILITY TO, ON CHROMOSOME 19q; Colorectal cancer, susceptibility to, 10. Identifiers: Orphanet 220460, MedGen C2675481, MONDO:0012953, OMIM 612591.

Allele frequency attached by ClinVar (database versions not stated): gnomAD exomes below 0.00001; gnomAD 0.00001.
gnomAD v4.1: 5 of 1,609,122 alleles (0.00031%); highest among the groups gnomAD compares: Non-Finnish European, 0.00034%; no homozygotes.

Submissions (3):

Labcorp Genetics (formerly Invitae), Labcorp
Classification: Uncertain significance for POLD1-related polyposis and colorectal cancer syndrome. Last evaluated: 2026-01-25. Review status: criteria provided, single submitter. Criteria: Invitae Variant Classification Sherloc (09022015). Collection method: clinical testing. Allele origin: germline.
Comment: This sequence change replaces arginine, which is basic and polar, with histidine, which is basic and polar, at codon 1082 of the POLD1 protein (p.Arg1082His). This variant is not present in population databases (gnomAD no frequency). This variant has not been reported in the literature in individuals affected with POLD1-related conditions. ClinVar contains an entry for this variant (Variation ID: 838777). Invitae Evidence Modeling of protein sequence and biophysical properties (such as structural, functional, and spatial information, amino acid conservation, physicochemical variation, residue mobility, and thermodynamic stability) indicates that this missense variant is expected to disrupt POLD1 protein function with a positive predictive value of 80%. In summary, the available evidence is currently insufficient to determine the role of this variant in disease. Therefore, it has been classified as a Variant of Uncertain Significance.

Ambry Genetics
Classification: Uncertain significance for Hereditary cancer-predisposing syndrome. Last evaluated: 2025-05-03. Review status: criteria provided, single submitter. Criteria: Ambry Variant Classification Scheme 2023. Collection method: clinical testing. Allele origin: germline.
Comment: The p.R1082H variant (also known as c.3245G>A), located in coding exon 26 of the POLD1 gene, results from a G to A substitution at nucleotide position 3245. The arginine at codon 1082 is replaced by histidine, an amino acid with highly similar properties. This amino acid position is highly conserved in available vertebrate species. In addition, the in silico prediction for this alteration is inconclusive. Based on the available evidence, the clinical significance of this variant remains unclear.

GeneDx
Classification: Uncertain significance. Last evaluated: 2022-02-02. Review status: criteria provided, single submitter. Criteria: GeneDx Variant Classification Process June 2021. Collection method: clinical testing. Allele origin: germline. Affected: yes.
Comment: Observed in an individual with MMR-deficient colorectal cancer (Kayser et al., 2018); Not observed at significant frequency in large population cohorts (gnomAD); In silico analysis supports that this missense variant has a deleterious effect on protein structure/function; This variant is associated with the following publications: (PMID: 19296856, 29987844)

NM_002691.4(POLD1):c.3245G>A (p.Arg1082His)

Gene: POLD1 (DNA polymerase delta 1, catalytic subunit; plus strand). Cytogenetic location: 19q13.33.
Variant type: single nucleotide variant.
Coding change: c.3245G>A on transcript NM_002691.4 (MANE Select); coding-DNA position 3245, G replaced by A.
Protein change: p.Arg1082His; replaces arginine 1082 with histidine.
Molecular consequence: missense variant. On other transcripts: non-coding transcript variant (1).
Genome position (GRCh38, 1-based): chr19:50,417,868, G>A. VCF-style: chr19-50417868-G-A. GRCh37 (hg19) VCF-style: chr19-50921125-G-A.
Other names: c.3245G>A (NM_002691.2); c.3245G>A, p.Arg1082His (NM_001256849.1); c.3323G>A, p.Arg1108His (NM_001308632.1); short protein forms R1082H, R1108H.
Identifiers: ClinVar variation 838777 (VCV000838777.10), dbSNP rs1601254052, ClinGen allele CA406987750.